The following is an entry in ClinVar:

ClinVar aggregate classification (germline): Uncertain significance (1 of 4 stars; one submission).

Submission:

Ambry Genetics
Classification: Uncertain significance. Last evaluated: 2021-09-16. Review status: criteria provided, single submitter. Criteria: Ambry Variant Classification Scheme 2023. Collection method: clinical testing. Allele origin: germline.
Comment: The p.G44R variant (also known as c.130G>C), located in coding exon 1 of the POLQ gene, results from a G to C substitution at nucleotide position 130. The glycine at codon 44 is replaced by arginine, an amino acid with dissimilar properties. This amino acid position is conserved. In addition, this alteration is predicted to be tolerated by in silico analysis. Since supporting evidence is limited at this time, the clinical significance of this alteration remains unclear.

NM_199420.4(POLQ):c.130G>C (p.Gly44Arg)

Genes: POLQ (DNA polymerase theta; minus strand), LOC112872292 (Sharpr-MPRA regulatory region 30; plus strand). Cytogenetic location: 3q13.33.
Variant type: single nucleotide variant.
Coding change: c.130G>C on transcript NM_199420.4 (MANE Select); coding-DNA position 130, G replaced by C.
Protein change: p.Gly44Arg; replaces glycine 44 with arginine.
Molecular consequence: missense variant.
Genome position (GRCh38, 1-based): chr3:121,545,748, C>G on the plus strand (G>C on the coding strand, the complement: POLQ is on the minus strand). VCF-style: chr3-121545748-C-G. GRCh37 (hg19) VCF-style: chr3-121264595-C-G.
Other names: short protein forms G44R.
Identifiers: ClinVar variation 1769633 (VCV001769633.2), dbSNP rs1222557677, ClinGen allele CA354096992.